The following is an entry in ClinVar:

NM_002485.5(NBN):c.1162A>T (p.Lys388Ter)

Gene: NBN (nibrin; minus strand). Cytogenetic location: 8q21.3.
Variant type: single nucleotide variant.
Coding change: c.1162A>T on transcript NM_002485.5 (MANE Select); coding-DNA position 1162, A replaced by T.
Protein change: p.Lys388Ter; replaces lysine 388 with a stop codon.
Molecular consequence: nonsense.
Genome position (GRCh38, 1-based): chr8:89,955,518, T>A on the plus strand (A>T on the coding strand, the complement: NBN is on the minus strand). VCF-style: chr8-89955518-T-A. GRCh37 (hg19) VCF-style: chr8-90967746-T-A.
Other names: c.916A>T, p.Lys306Ter (NM_001024688.3); short protein forms K306*, K388*.
Identifiers: ClinVar variation 1737146 (VCV001737146.2), dbSNP rs1252203605, ClinGen allele CA371656459.

ClinVar aggregate classification (germline): Pathogenic (1 of 4 stars; one submission).

Conditions:
Hereditary cancer-predisposing syndrome. Also called: Neoplastic Syndromes, Hereditary; Tumor predisposition; Hereditary Cancer Syndrome; Hereditary neoplastic syndrome. Identifiers: Orphanet 140162, MedGen C0027672, MeSH D009386, MONDO:0015356.

Submission:

Ambry Genetics
Classification: Pathogenic for Hereditary cancer-predisposing syndrome. Last evaluated: 2019-10-03. Review status: criteria provided, single submitter. Criteria: Ambry Variant Classification Scheme 2023. Collection method: clinical testing. Allele origin: germline.
Comment: The p.K388* pathogenic mutation (also known as c.1162A>T), located in coding exon 10 of the NBN gene, results from an A to T substitution at nucleotide position 1162. This changes the amino acid from a lysine to a stop codon within coding exon 10. This alteration is expected to result in loss of function by premature protein truncation or nonsense-mediated mRNA decay. As such, this alteration is interpreted as a disease-causing mutation.